The following is an entry in ClinVar:

ClinVar aggregate classification (germline): Uncertain significance. Review status: criteria provided, multiple submitters, no conflicts (2 of 4 stars). 3 submissions from 3 submitters: Uncertain significance (3). Last evaluated 2022-01-02.

Conditions:
Hereditary cancer-predisposing syndrome. Also called: Tumor predisposition; Neoplastic Syndromes, Hereditary; Hereditary Cancer Syndrome; Hereditary neoplastic syndrome. Identifiers: Orphanet 140162, MedGen C0027672, MeSH D009386, MONDO:0015356.
Peutz-Jeghers syndrome (PJS). Also called: POLYPOSIS, HAMARTOMATOUS INTESTINAL; POLYPS-AND-SPOTS SYNDROME; Peutz-Jeghers polyposis; Periorificial lentiginosis syndrome. Identifiers: Orphanet 2869, MedGen C0031269, MeSH D010580, MONDO:0008280, OMIM 175200.

Submissions (3):

Color Diagnostics, LLC DBA Color Health
Classification: Uncertain significance for Hereditary cancer-predisposing syndrome. Last evaluated: 2022-01-02. Review status: criteria provided, single submitter. Criteria: ACMG Guidelines, 2015. Collection method: clinical testing. Allele origin: germline.
Comment: This missense variant replaces leucine with phenylalanine at codon 282 of the STK11 protein. Computational prediction suggests that this variant may not impact protein structure and function (internally defined REVEL score threshold <= 0.5, PMID: 27666373). To our knowledge, functional studies have not been reported for this variant. This variant has not been reported in individuals affected with hereditary cancer in the literature. This variant has not been identified in the general population by the Genome Aggregation Database (gnomAD). The available evidence is insufficient to determine the role of this variant in disease conclusively. Therefore, this variant is classified as a Variant of Uncertain Significance.

Genome-Nilou Lab
Classification: Uncertain significance for Peutz-Jeghers syndrome. Last evaluated: 2021-07-15. Review status: criteria provided, single submitter. Criteria: ACMG Guidelines, 2015. Collection method: clinical testing. Allele origin: germline. Affected: no.

Labcorp Genetics (formerly Invitae), Labcorp
Classification: Uncertain significance for Peutz-Jeghers syndrome. Last evaluated: 2021-04-06. Review status: criteria provided, single submitter. Criteria: Invitae Variant Classification Sherloc (09022015). Collection method: clinical testing. Allele origin: germline.
Comment: This sequence change replaces leucine with phenylalanine at codon 282 of the STK11 protein (p.Leu282Phe). The leucine residue is highly conserved and there is a small physicochemical difference between leucine and phenylalanine. In summary, the available evidence is currently insufficient to determine the role of this variant in disease. Therefore, it has been classified as a Variant of Uncertain Significance. Algorithms developed to predict the effect of missense changes on protein structure and function are either unavailable or do not agree on the potential impact of this missense change (SIFT: "Tolerated"; PolyPhen-2: "Probably Damaging"; Align-GVGD: "Class C0"). This variant has not been reported in the literature in individuals with STK11-related conditions. ClinVar contains an entry for this variant (Variation ID: 492559). This variant is not present in population databases (ExAC no frequency).

NM_000455.5(STK11):c.844C>T (p.Leu282Phe)

Gene: STK11 (serine/threonine kinase 11; plus strand). Cytogenetic location: 19p13.3.
Variant type: single nucleotide variant.
Coding change: c.844C>T on transcript NM_000455.5 (MANE Select); coding-DNA position 844, C replaced by T.
Protein change: p.Leu282Phe; replaces leucine 282 with phenylalanine.
Molecular consequence: missense variant.
Genome position (GRCh38, 1-based): chr19:1,221,322, C>T. VCF-style: chr19-1221322-C-T. GRCh37 (hg19) VCF-style: chr19-1221321-C-T.
Other names: short protein forms L282F.
Identifiers: ClinVar variation 492559 (VCV000492559.18), dbSNP rs1555738722, ClinGen allele CA402950715.